The following is an entry in ClinVar:

ClinVar aggregate classification (germline): Likely pathogenic (1 of 4 stars; one submission).

Conditions:
Hutchinson-Gilford syndrome (HGPS). Also called: Hutchinson-Gilford Progeria Syndrome. Identifiers: Orphanet 740, MedGen C0033300, MONDO:0008310, OMIM 176670.

Submission:

Institute of Human Genetics, University of Goettingen
Classification: Likely pathogenic for Hutchinson-Gilford syndrome. Last evaluated: 2021-11-01. Review status: criteria provided, single submitter. Criteria: ACMG Guidelines, 2015. Collection method: clinical testing. Allele origin: unknown. Inheritance: Autosomal dominant inheritance. Affected: yes. Observed: 1 heterozygote.
Comment: The variant c.164A>G (p.(Glu55Gly)) in exon 1 of the LMNA gene is not found in the gnomAD database, it affects a moderately conserved nucleotide, a highly conserved amino acid within a protein domain and is located within a mutational hot spot and there is a moderate physicochemical difference between Glu and Gly. This variant has a pathogenic computational verdict based on 11 pathogenic predictions from BayesDel_addAF, DANN, DEOGEN2, EIGEN, FATHMM-MKL, LIST-S2, M-CAP, MVP, MutationAssessor, MutationTaster and SIFT vs 1 benign prediction from PrimateAI. The variant has been described in the literature to be causative for an aggressive atypical neonatal form of progeria without progerin accumulation. Functional in vitro analysis showed a damaging effect on protein function (PMID: 27334370). ACMG criteria used for classification: PM1, PM2, PP2, PP3, PP4, PS3_supp, PP5.

Literature cited by the submitters: PubMed 27334370.

NM_170707.4(LMNA):c.164A>G (p.Glu55Gly)

Gene: LMNA (lamin A/C; plus strand). Cytogenetic location: 1q22.
Variant type: single nucleotide variant.
Coding change: c.164A>G on transcript NM_170707.4 (MANE Select); coding-DNA position 164, A replaced by G.
Protein change: p.Glu55Gly; replaces glutamic acid 55 with glycine.
Molecular consequence: missense variant.
Genome position (GRCh38, 1-based): chr1:156,115,082, A>G. VCF-style: chr1-156115082-A-G. GRCh37 (hg19) VCF-style: chr1-156084873-A-G.
Other names: c.164A>G, p.Glu55Gly (NM_001282625.2, NM_001282626.2, NM_005572.4 and 1 more transcripts); short protein forms E55G.
Identifiers: ClinVar variation 1308669 (VCV001308669.3), dbSNP rs2102817930, ClinGen allele CA342808056.